The following is an entry in ClinVar:

ClinVar aggregate classification (germline): Likely pathogenic. Review status: criteria provided, multiple submitters, no conflicts (2 of 4 stars). 3 submissions from 3 submitters: Likely pathogenic (3). Last evaluated 2022-10-24.
ClinVar aggregate classification (somatic clinical impact): Tier I - Strong (1 of 4 stars; one submission).

Conditions:
NF1-related disorder. Also called: NF1-related condition. Identifiers: MedGen CN379171.
Inborn genetic diseases. Identifiers: MedGen C0950123, MeSH D030342.
Neurofibromatosis, type 1 (NF1). Also called: Peripheral type neurofibromatosis; NEUROFIBROMATOSIS, TYPE I, SOMATIC; Neurofibromatosis, type I; VON RECKLINGHAUSEN DISEASE. Identifiers: Orphanet 636, MedGen C0027831, MONDO:0018975, OMIM 162200. Disease mechanism: loss of function.
Embryonal rhabdomyosarcoma (ERMS). Also called: Botryoid rhabdomyosarcoma (type of ERMS); Spindle cell rhabdomyosarcomas (type of ERMS). Identifiers: Orphanet 99757, MedGen C0206656, MONDO:0009993, HP:0006743.

Submissions (4):

Institute for Genomic Medicine (IGM) Clinical Laboratory, Nationwide Children's Hospital
Classification: Tier I - Strong for Embryonal rhabdomyosarcoma. Assertion type: diagnostic. Clinical significance: supports diagnosis. Last evaluated: 2023-03-21. Review status: criteria provided, single submitter. Criteria: AMP/ASCO/CAP Guidelines, 2017. Collection method: clinical testing. Allele origin: somatic. Affected: yes.
Comment: Variant has Tier I (strong) clinical significance as a diagnostic inclusion criterion in embryonal rhabdomyosarcoma, based on the following evidence: 1) Documented in one or more cancer databases (e.g., St. Jude Pecan, COSMIC, CIViC, OncoKB). 2) Appears in one or more well-established professional guidelines (e.g., World Health Organization [WHO]; National Comprehensive Cancer Network [NCCN]) as providing diagnostic, prognostic, or therapeutic information. 3) Information in the literature supports potential biologic effect of variant. 4) Diagnostic for a specific tumor type/classification based on well-powered studies with expert-level consensus (Evidence Level B; PMIDs: 34166060, 24436047, 26138366, 21412928).

Blueprint Genetics
Classification: Likely pathogenic for NF1-related disorders. Last evaluated: 2022-10-24. Review status: criteria provided, single submitter. Criteria: ACMG Guidelines, 2015. Collection method: clinical testing. Allele origin: germline. Affected: yes. Observed: 1 variant allele.

Ambry Genetics
Classification: Likely pathogenic for Inborn genetic diseases. Last evaluated: 2017-08-08. Review status: criteria provided, single submitter. Criteria: Ambry exome assertion method (8-5-2015). Collection method: clinical testing. Allele origin: germline. Affected: yes. Observed: 1 variant allele.

Juno Genomics, Hangzhou Juno Genomics, Inc
Classification: Likely pathogenic for Neurofibromatosis, type 1. Review status: criteria provided, single submitter. Criteria: ACMG Guidelines, 2015. Collection method: clinical testing. Allele origin: germline. Affected: yes.
Comment: Absent from controls (or at extremely low frequency if recessive) in Genome Aggregation Database, Exome Sequencing Project, 1000 Genomes Project, or Exome Aggregation Consortium.;Multiple lines of computational evidence support a deleterious effect on the gene or gene product (conservation, evolutionary, splicing impact, etc).;Novel missense change at an amino acid residue where a different missense change determined to be pathogenic has been seen before.;Missense variant in a gene that has a low rate of benign missense variation and where missense variants are a common mechanism of disease.;Patient's phenotype or family history is highly specific for a disease with a single genetic etiology.

Literature cited by the submitters: PubMed 34166060 (cited by Institute for Genomic Medicine (IGM) Clinical Laboratory, Nationwide Children's Hospital); PubMed 24436047 (cited by Institute for Genomic Medicine (IGM) Clinical Laboratory, Nationwide Children's Hospital); PubMed 26138366 (cited by Institute for Genomic Medicine (IGM) Clinical Laboratory, Nationwide Children's Hospital); PubMed 21412928 (cited by Institute for Genomic Medicine (IGM) Clinical Laboratory, Nationwide Children's Hospital); PubMed 17311297 (cited by Ambry Genetics); PubMed 2783839 (cited by Ambry Genetics); PubMed 27838393 (cited by Ambry Genetics); PubMed 25074460 (cited by Ambry Genetics).

NM_001042492.3(NF1):c.3974G>T (p.Arg1325Met)

Gene: NF1 (neurofibromin 1; plus strand). Cytogenetic location: 17q11.2.
Variant type: single nucleotide variant.
Coding change: c.3974G>T on transcript NM_001042492.3 (MANE Select); coding-DNA position 3974, G replaced by T.
Protein change: p.Arg1325Met; replaces arginine 1325 with methionine.
Molecular consequence: missense variant.
Genome position (GRCh38, 1-based): chr17:31,236,021, G>T. VCF-style: chr17-31236021-G-T. GRCh37 (hg19) VCF-style: chr17-29563039-G-T.
Other names: c.3974G>T, p.Arg1325Met (NM_000267.4); short protein forms R1325M.
Identifiers: ClinVar variation 521805 (VCV000521805.8), dbSNP rs863224447, ClinGen allele CA398993356.